The following is an entry in ClinVar:

ClinVar aggregate classification (germline): Uncertain significance (1 of 4 stars; one submission).

Conditions:
Inborn genetic diseases. Identifiers: MedGen C0950123, MeSH D030342.

Submission:

Ambry Genetics
Classification: Uncertain significance for Inborn genetic diseases. Last evaluated: 2025-03-19. Review status: criteria provided, single submitter. Criteria: Ambry Variant Classification Scheme 2023. Collection method: clinical testing. Allele origin: germline.
Comment: The p.H330Y variant (also known as c.988C>T), located in coding exon 11 of the FANCA gene, results from a C to T substitution at nucleotide position 988. The histidine at codon 330 is replaced by tyrosine, an amino acid with similar properties. This amino acid position is conserved. In addition, this alteration is predicted to be tolerated by in silico analysis. Based on the available evidence, the clinical significance of this variant remains unclear.

NM_000135.4(FANCA):c.988C>T (p.His330Tyr)

Gene: FANCA (FA complementation group A; minus strand). Cytogenetic location: 16q24.3.
Variant type: single nucleotide variant.
Coding change: c.988C>T on transcript NM_000135.4 (MANE Select); coding-DNA position 988, C replaced by T.
Protein change: p.His330Tyr; replaces histidine 330 with tyrosine.
Molecular consequence: missense variant.
Genome position (GRCh38, 1-based): chr16:89,795,924, G>A on the plus strand (C>T on the coding strand, the complement: FANCA is on the minus strand). VCF-style: chr16-89795924-G-A. GRCh37 (hg19) VCF-style: chr16-89862332-G-A.
Other names: c.988C>T, p.His330Tyr (NM_001286167.3); short protein forms H330Y.
Identifiers: ClinVar variation 4022095 (VCV004022095.1).